The following is an entry in ClinVar:

NM_144687.4(NLRP12):c.311C>G (p.Ser104Cys)

Gene: NLRP12 (NLR family pyrin domain containing 12; minus strand). Cytogenetic location: 19q13.42.
Variant type: single nucleotide variant.
Coding change: c.311C>G on transcript NM_144687.4 (MANE Select); coding-DNA position 311, C replaced by G.
Protein change: p.Ser104Cys; replaces serine 104 with cysteine.
Molecular consequence: missense variant.
Genome position (GRCh38, 1-based): chr19:53,814,967, G>C on the plus strand (C>G on the coding strand, the complement: NLRP12 is on the minus strand). VCF-style: chr19-53814967-G-C. GRCh37 (hg19) VCF-style: chr19-54318221-G-C.
Other names: c.311C>G, p.Ser104Cys (NM_001277126.2, NM_001277129.1); short protein forms S104C.
Identifiers: ClinVar variation 1051113 (VCV001051113.12), dbSNP rs369508681, ClinGen allele CA9639765.

ClinVar aggregate classification (germline): Uncertain significance. Review status: criteria provided, multiple submitters, no conflicts (2 of 4 stars). 2 submissions from 2 submitters: Uncertain significance (2). Last evaluated 2025-05-24.

Conditions:
Autoinflammatory syndrome. Identifiers: Orphanet 93665, MedGen C3890737, MONDO:0019751.
Familial cold autoinflammatory syndrome 2 (FCAS2). Identifiers: Orphanet 247868, MedGen C2673198, MONDO:0012724, OMIM 611762.

Allele frequency attached by ClinVar (database versions not stated): gnomAD exomes 0.00001 and 0.00004; TOPMed 0.00001; ExAC 0.00002; gnomAD 0.00002 and 0.00003; ESP Exome Variant Server 0.00008.
gnomAD v4.1: 62 of 1,613,892 alleles (0.0038%); highest among the groups gnomAD compares: Non-Finnish European, 0.0051%; no homozygotes.

Submissions (2):

Labcorp Genetics (formerly Invitae), Labcorp
Classification: Uncertain significance for Familial cold autoinflammatory syndrome 2. Last evaluated: 2025-05-24. Review status: criteria provided, single submitter. Criteria: Invitae Variant Classification Sherloc (09022015). Collection method: clinical testing. Allele origin: germline.
Comment: This sequence change replaces serine, which is neutral and polar, with cysteine, which is neutral and slightly polar, at codon 104 of the NLRP12 protein (p.Ser104Cys). This variant is present in population databases (rs369508681, gnomAD 0.004%). This variant has not been reported in the literature in individuals affected with NLRP12-related conditions. ClinVar contains an entry for this variant (Variation ID: 1051113). An algorithm developed to predict the effect of missense changes on protein structure and function outputs the following: PolyPhen-2: "Benign". The cysteine amino acid residue is found in multiple mammalian species, which suggests that this missense change does not adversely affect protein function. In summary, the available evidence is currently insufficient to determine the role of this variant in disease. Therefore, it has been classified as a Variant of Uncertain Significance.

Genome Diagnostics Laboratory, The Hospital for Sick Children
Classification: Uncertain significance for Autoinflammatory syndrome. Last evaluated: 2018-05-01. Review status: criteria provided, single submitter. Criteria: ACMG Guidelines, 2015. Collection method: clinical testing. Allele origin: germline. Affected: yes.